The following is an entry in ClinVar:

NM_005633.4(SOS1):c.982G>C (p.Gly328Arg)

Gene: SOS1 (SOS Ras/Rac guanine nucleotide exchange factor 1; minus strand). Cytogenetic location: 2p22.1.
Variant type: single nucleotide variant.
Coding change: c.982G>C on transcript NM_005633.4 (MANE Select); coding-DNA position 982, G replaced by C.
Protein change: p.Gly328Arg; replaces glycine 328 with arginine.
Molecular consequence: missense variant.
Genome position (GRCh38, 1-based): chr2:39,035,304, C>G on the plus strand (G>C on the coding strand, the complement: SOS1 is on the minus strand). VCF-style: chr2-39035304-C-G. GRCh37 (hg19) VCF-style: chr2-39262445-C-G.
Other names: c.961G>C, p.Gly321Arg (NM_001382394.1); c.982G>C, p.Gly328Arg (NM_001382395.1); short protein forms G321R, G328R.
Identifiers: ClinVar variation 3020622 (VCV003020622.3), dbSNP rs1215944824, ClinGen allele CA346367256.

ClinVar aggregate classification (germline): Uncertain significance (1 of 4 stars; one submission).

Conditions:
RASopathy. Also called: Noonan spectrum disorder; rasopathies. Identifiers: Orphanet 536391, MedGen C5555857, MONDO:0021060.

Submission:

Labcorp Genetics (formerly Invitae), Labcorp
Classification: Uncertain significance for RASopathy. Last evaluated: 2024-01-30. Review status: criteria provided, single submitter. Criteria: Invitae Variant Classification Sherloc (09022015). Collection method: clinical testing. Allele origin: germline.
Comment: This sequence change replaces glycine, which is neutral and non-polar, with arginine, which is basic and polar, at codon 328 of the SOS1 protein (p.Gly328Arg). This variant is not present in population databases (gnomAD no frequency). This variant has not been reported in the literature in individuals affected with SOS1-related conditions. Advanced modeling of protein sequence and biophysical properties (such as structural, functional, and spatial information, amino acid conservation, physicochemical variation, residue mobility, and thermodynamic stability) has been performed at Invitae for this missense variant, however the output from this modeling did not meet the statistical confidence thresholds required to predict the impact of this variant on SOS1 protein function. In summary, the available evidence is currently insufficient to determine the role of this variant in disease. Therefore, it has been classified as a Variant of Uncertain Significance.